The following is an entry in ClinVar:

NM_019616.4(F7):c.729C>T (p.Ile243=)

Gene: F7 (coagulation factor VII; plus strand). Cytogenetic location: 13q34.
Variant type: single nucleotide variant.
Coding change: c.729C>T on transcript NM_019616.4 (MANE Select); coding-DNA position 729, C replaced by T.
Protein change: p.Ile243=; no amino-acid change (isoleucine 243 retained).
Molecular consequence: synonymous variant. On other transcripts: non-coding transcript variant (1).
Genome position (GRCh38, 1-based): chr13:113,117,586, C>T. VCF-style: chr13-113117586-C-T. GRCh37 (hg19) VCF-style: chr13-113771900-C-T.
Other names: c.795C>T, p.Ile265= (NM_000131.5); c.543C>T, p.Ile181= (NM_001267554.2).
Identifiers: ClinVar variation 3048047 (VCV003048047.2), dbSNP rs568985630, ClinGen allele CA7060083.
Genomic context (GRCh38, chr13:113,117,586, plus strand): 5'-CATCTGGGTGGTCTCCGCGGCCCACTGTTTCGACAAAATCAAGAACTGGAGGAACCTGAT[C>T]GCGGTGCTGGGTGGGTACCACTCTCCCCTGTCCGACCGCGGTGCTGGGTGGGTGCCACTC-3'
Protein context (NP_062562.1, residues 233-253): FDKIKNWRNL[Ile243=]AVLGEHDLSE

ClinVar aggregate classification (germline): Likely benign (0 of 4 stars; one submission).

Conditions:
F7-related disorder. Also called: F7-related condition.

Allele frequency attached by ClinVar (database versions not stated): ExAC 0.00003; 1000 Genomes Project 0.00020; gnomAD 0.00005.
gnomAD v4.1: 30 of 1,602,642 alleles (0.0019%); highest among the groups gnomAD compares: Admixed American, 0.02%; no homozygotes.

Submission:

PreventionGenetics, part of Exact Sciences
Classification: Likely benign for F7-related condition. Last evaluated: 2020-01-24. Review status: no assertion criteria provided. Collection method: clinical testing. Allele origin: germline.
Comment: This variant is classified as likely benign based on ACMG/AMP sequence variant interpretation guidelines (Richards et al. 2015 PMID: 25741868, with internal and published modifications).